The following is an entry in ClinVar:

NM_005219.5(DIAPH1):c.685-18T>C

Gene: DIAPH1 (diaphanous related formin 1; minus strand). Cytogenetic location: 5q31.3.
Variant type: single nucleotide variant.
Coding change: c.685-18T>C on transcript NM_005219.5 (MANE Select); 18 bases into the intron before coding-DNA position 685, T replaced by C.
Molecular consequence: intron variant.
Genome position (GRCh38, 1-based): chr5:141,580,901, A>G on the plus strand (T>C on the coding strand, the complement: DIAPH1 is on the minus strand). VCF-style: chr5-141580901-A-G. GRCh37 (hg19) VCF-style: chr5-140960468-A-G.
Other names: c.658-18T>C (NM_001079812.3); c.685-18T>C (NM_001314007.2).
Identifiers: ClinVar variation 3749350 (VCV003749350.2).
Genomic context (GRCh38, chr5:141,580,901, plus strand): 5'-GTAGGATTCCTTCTTCTGTCTCCAACATGGTCTTGATTCCAAACTGGTAGGACCAAGAAC[A>G]AAGAAAGGAGGCTGAAAGACGAAAGCATCTAACTGGGGGACAAGTTTACGGGTTGTTATG-3'

ClinVar aggregate classification (germline): Uncertain significance (1 of 4 stars; one submission).

Conditions:
Progressive microcephaly-seizures-cortical blindness-developmental delay syndrome. Also called: Seizures, cortical blindness, and microcephaly syndrome. Identifiers: Orphanet 477814, MedGen C5567650, MONDO:0014714, OMIM 616632.
Autosomal dominant nonsyndromic hearing loss 1. Also called: KONIGSMARK SYNDROME; DEAFNESS, AUTOSOMAL DOMINANT 1, WITH OR WITHOUT THROMBOCYTOPENIA. Identifiers: Orphanet 90635, MedGen C1852282, MONDO:0007424, OMIM 124900.

Submission:

Labcorp Genetics (formerly Invitae), Labcorp
Classification: Uncertain significance for Progressive microcephaly-seizures-cortical blindness-developmental delay syndrome; Autosomal dominant nonsyndromic hearing loss 1. Last evaluated: 2024-02-07. Review status: criteria provided, single submitter. Criteria: Invitae Variant Classification Sherloc (09022015). Collection method: clinical testing. Allele origin: germline.
Comment: This sequence change falls in intron 7 of the DIAPH1 gene. It does not directly change the encoded amino acid sequence of the DIAPH1 protein. This variant is not present in population databases (gnomAD no frequency). This variant has not been reported in the literature in individuals affected with DIAPH1-related conditions. Algorithms developed to predict the effect of sequence changes on RNA splicing suggest that this variant may create or strengthen a splice site. In summary, the available evidence is currently insufficient to determine the role of this variant in disease. Therefore, it has been classified as a Variant of Uncertain Significance.